The following is an entry in ClinVar:

NM_000535.7(PMS2):c.1892_1902delinsTAAA (p.Gln631fs)

Gene: PMS2 (PMS1 homolog 2, mismatch repair system component; minus strand). Cytogenetic location: 7p22.1.
Variant type: Indel.
Coding change: c.1892_1902delinsTAAA on transcript NM_000535.7 (MANE Select); coding-DNA positions 1892 to 1902, AGTTACATCAT replaced by TAAA.
Protein change: p.Gln631fs; shifts the reading frame from glutamine 631.
Molecular consequence: frameshift variant. On other transcripts: non-coding transcript variant (1).
Genome position (GRCh38, 1-based): chr7:5,986,863-5,986,873, ATGATGTAACT replaced by TTTA on the plus strand (AGTTACATCAT replaced by TAAA on the coding strand, the reverse complement: PMS2 is on the minus strand). VCF-style: chr7-5986863-ATGATGTAACT-TTTA. GRCh37 (hg19) VCF-style: chr7-6026494-ATGATGTAACT-TTTA.
Other names: c.1487_1497delinsTAAA, p.Gln496fs (NM_001322003.2, NM_001322004.2, NM_001322005.2 and 1 more transcripts); c.1736_1746delinsTAAA, p.Gln579fs (NM_001322006.2); c.1574_1584delinsTAAA, p.Gln525fs (NM_001322007.2, NM_001322008.2); c.1331_1341delinsTAAA, p.Gln444fs (NM_001322010.2); c.959_969delinsTAAA, p.Gln320fs (NM_001322011.2, NM_001322012.2); c.1319_1329delinsTAAA, p.Gln440fs (NM_001322013.2); c.1892_1902delinsTAAA, p.Gln631fs (NM_001322014.2); c.1583_1593delinsTAAA, p.Gln528fs (NM_001322015.2); short protein forms Q320fs, Q440fs, Q528fs, Q525fs, Q579fs, Q444fs, Q496fs, Q631fs.
Identifiers: ClinVar variation 579805 (VCV000579805.3), dbSNP rs1562626204, ClinGen allele CA891842810.

ClinVar aggregate classification (germline): Pathogenic (1 of 4 stars; one submission).

Conditions:
Hereditary nonpolyposis colorectal neoplasms. Identifiers: MedGen C0009405, MeSH D003123.

Submission:

Labcorp Genetics (formerly Invitae), Labcorp
Classification: Pathogenic for Hereditary nonpolyposis colorectal neoplasms. Last evaluated: 2025-04-14. Review status: criteria provided, single submitter. Criteria: Invitae Variant Classification Sherloc (09022015). Collection method: clinical testing. Allele origin: germline.
Comment: This sequence change creates a premature translational stop signal (p.Gln631Leufs*32) in the PMS2 gene. It is expected to result in an absent or disrupted protein product. Loss-of-function variants in PMS2 are known to be pathogenic (PMID: 21376568, 24362816). This variant is not present in population databases (gnomAD no frequency). This variant has not been reported in the literature in individuals affected with PMS2-related conditions. For these reasons, this variant has been classified as Pathogenic.

Literature cited by the submitters: PubMed 21376568; PubMed 24362816.